The following is an entry in ClinVar:

NM_006231.4(POLE):c.6640T>C (p.Phe2214Leu)

Gene: POLE (DNA polymerase epsilon, catalytic subunit; minus strand). Cytogenetic location: 12q24.33.
Variant type: single nucleotide variant.
Coding change: c.6640T>C on transcript NM_006231.4 (MANE Select); coding-DNA position 6640, T replaced by C.
Protein change: p.Phe2214Leu; replaces phenylalanine 2214 with leucine.
Molecular consequence: missense variant.
Genome position (GRCh38, 1-based): chr12:132,625,662, A>G on the plus strand (T>C on the coding strand, the complement: POLE is on the minus strand). VCF-style: chr12-132625662-A-G. GRCh37 (hg19) VCF-style: chr12-133202248-A-G.
Other names: short protein forms F2214L.
Identifiers: ClinVar variation 1754647 (VCV001754647.2), dbSNP rs1251545206, ClinGen allele CA387366464.
Genomic context (GRCh38, chr12:132,625,662, plus strand): 5'-TGTGGACTCCAGGGCACACGGGCAGGCGGCATGCACGACTCACCAGGTCCTGCAGGGTGA[A>G]GGCCATCAGCTTCTTCTGTAGAACTTCCACCAGCGTCATCTCGATGGCAGAGGAGTCGTA-3'
Protein context (NP_006222.2, residues 2204-2224): VEVLQKKLMA[Phe2214Leu]TLQDLVCLKC

ClinVar aggregate classification (germline): Uncertain significance (1 of 4 stars; one submission).

Conditions:
Hereditary cancer-predisposing syndrome. Also called: Neoplastic Syndromes, Hereditary; Tumor predisposition; Hereditary Cancer Syndrome; Hereditary neoplastic syndrome. Identifiers: Orphanet 140162, MedGen C0027672, MeSH D009386, MONDO:0015356.

Allele frequency attached by ClinVar (database versions not stated): gnomAD exomes below 0.00001.
gnomAD v4.1: 1 of 1,613,724 alleles (0.000062%); highest among the groups gnomAD compares: Non-Finnish European, 0.000085%; no homozygotes.

Submission:

Ambry Genetics
Classification: Uncertain significance for Hereditary cancer-predisposing syndrome. Last evaluated: 2022-09-25. Review status: criteria provided, single submitter. Criteria: Ambry Variant Classification Scheme 2023. Collection method: clinical testing. Allele origin: germline.
Comment: The p.F2214L variant (also known as c.6640T>C), located in coding exon 47 of the POLE gene, results from a T to C substitution at nucleotide position 6640. The phenylalanine at codon 2214 is replaced by leucine, an amino acid with highly similar properties. This amino acid position is conserved. In addition, this alteration is predicted to be tolerated by in silico analysis. Since supporting evidence is limited at this time, the clinical significance of this alteration remains unclear.